The following is an entry in ClinVar:

NM_001330078.2(NRXN1):c.3353T>G (p.Leu1118Arg)

Gene: NRXN1 (neurexin 1; minus strand). Cytogenetic location: 2p16.3.
Variant type: single nucleotide variant.
Coding change: c.3353T>G on transcript NM_001330078.2 (MANE Select); coding-DNA position 3353, T replaced by G.
Protein change: p.Leu1118Arg; replaces leucine 1118 with arginine.
Molecular consequence: missense variant.
Genome position (GRCh38, 1-based): chr2:50,465,453, A>C on the plus strand (T>G on the coding strand, the complement: NRXN1 is on the minus strand). VCF-style: chr2-50465453-A-C. GRCh37 (hg19) VCF-style: chr2-50692591-A-C.
Other names: c.3473T>G, p.Leu1158Arg (NM_001135659.3); c.3329T>G, p.Leu1110Arg (NM_001330077.2, NM_001330082.2); c.3287T>G, p.Leu1096Arg (NM_001330083.2, NM_001330084.2); c.3326T>G, p.Leu1109Arg (NM_001330085.2); c.3353T>G, p.Leu1118Arg (NM_001330086.2, NM_004801.6); c.3242T>G, p.Leu1081Arg (NM_001330087.2, NM_001330096.2); c.3272T>G, p.Leu1091Arg (NM_001330088.2); c.3350T>G, p.Leu1117Arg (NM_001330093.2); and 2 more; short protein forms L1158R, L1110R, L1081R, L1091R, L1101R, L1118R, L1114R, L1096R.
Identifiers: ClinVar variation 590005 (VCV000590005.13), dbSNP rs751798190, ClinGen allele CA1654594.
Genomic context (GRCh38, chr2:50,465,453, plus strand): 5'-TAACTGGAAGCAACGATGAGTATCAGTCCATACTCAGAGAGGTACTTACGGTCATTGCAG[A>C]GTGGTCCACTGAAGGAAGTCATACTACAGTCACAGCTGAAGCCATCCCATTGTTGCAAGC-3'
Protein context (NP_001317007.1, residues 1108-1128): DCSMTSFSGP[Leu1118Arg]CNDPGTTYIF

ClinVar aggregate classification (germline): Uncertain significance. Review status: criteria provided, multiple submitters, no conflicts (2 of 4 stars). 2 submissions from 2 submitters: Uncertain significance (2). Last evaluated 2025-01-28.

Conditions:
Inborn genetic diseases. Identifiers: MedGen C0950123, MeSH D030342.
Pitt-Hopkins-like syndrome 2 (PTHSL2). Identifiers: Orphanet 221150, Orphanet 600663, MedGen C3280479, MONDO:0013690, OMIM 614325.

Allele frequency attached by ClinVar (database versions not stated): ExAC 0.00001; gnomAD 0.00001; gnomAD exomes 0.00001; TOPMed 0.00001.
gnomAD v4.1: 8 of 1,609,542 alleles (0.0005%); highest among the groups gnomAD compares: South Asian, 0.0011%; no homozygotes.

Submissions (2):

Labcorp Genetics (formerly Invitae), Labcorp
Classification: Uncertain significance for Pitt-Hopkins-like syndrome 2. Last evaluated: 2025-01-28. Review status: criteria provided, single submitter. Criteria: Invitae Variant Classification Sherloc (09022015). Collection method: clinical testing. Allele origin: germline.
Comment: This sequence change replaces leucine, which is neutral and non-polar, with arginine, which is basic and polar, at codon 1158 of the NRXN1 protein (p.Leu1158Arg). This variant is present in population databases (rs751798190, gnomAD 0.002%). This variant has not been reported in the literature in individuals affected with NRXN1-related conditions. ClinVar contains an entry for this variant (Variation ID: 590005). An algorithm developed to predict the effect of missense changes on protein structure and function (PolyPhen-2) suggests that this variant is likely to be tolerated. In summary, the available evidence is currently insufficient to determine the role of this variant in disease. Therefore, it has been classified as a Variant of Uncertain Significance.

Ambry Genetics
Classification: Uncertain significance for Inborn genetic diseases. Last evaluated: 2016-12-30. Review status: criteria provided, single submitter. Criteria: Ambry Variant Classification Scheme 2023. Collection method: clinical testing. Allele origin: germline.
Comment: The p.L1158R variant (also known as c.3473T>G), located in coding exon 17 of the NRXN1 gene, results from a T to G substitution at nucleotide position 3473. The leucine at codon 1158 is replaced by arginine, an amino acid with dissimilar properties. This amino acid position is highly conserved in available vertebrate species. In addition, this alteration is predicted to be deleterious by in silico analysis. Since supporting evidence is limited at this time, the clinical significance of this alteration remains unclear.